The following is an entry in ClinVar:

NM_031935.3(HMCN1):c.451C>T (p.Arg151Trp)

Gene: HMCN1 (hemicentin 1; plus strand). Cytogenetic location: 1q31.1.
Variant type: single nucleotide variant.
Coding change: c.451C>T on transcript NM_031935.3 (MANE Select); coding-DNA position 451, C replaced by T.
Protein change: p.Arg151Trp; replaces arginine 151 with tryptophan.
Molecular consequence: missense variant.
Genome position (GRCh38, 1-based): chr1:185,864,581, C>T. VCF-style: chr1-185864581-C-T. GRCh37 (hg19) VCF-style: chr1-185833713-C-T.
Other names: c.451C>T (NM_031935.2); short protein forms R151W.
Identifiers: ClinVar variation 1917081 (VCV001917081.8), dbSNP rs183973584, ClinGen allele CA1290834.

ClinVar aggregate classification (germline): Uncertain significance. Review status: criteria provided, multiple submitters, no conflicts (2 of 4 stars). 3 submissions from 3 submitters: Uncertain significance (3). Last evaluated 2025-02-13.

Conditions:
Age related macular degeneration 1 (ARMD1). Also called: MACULOPATHY, AGE-RELATED, 1. Identifiers: MedGen C1864205, MONDO:0011285, OMIM 603075.

Allele frequency attached by ClinVar (database versions not stated): ExAC 0.00002; gnomAD exomes 0.00002; gnomAD 0.00004; TOPMed 0.00004; 1000 Genomes Project 30x 0.00016; 1000 Genomes Project 0.00020.

Submissions (3):

Labcorp Genetics (formerly Invitae), Labcorp
Classification: Uncertain significance. Last evaluated: 2025-02-13. Review status: criteria provided, single submitter. Criteria: Invitae Variant Classification Sherloc (09022015). Collection method: clinical testing. Allele origin: germline.
Comment: This sequence change replaces arginine, which is basic and polar, with tryptophan, which is neutral and slightly polar, at codon 151 of the HMCN1 protein (p.Arg151Trp). This variant is present in population databases (rs183973584, gnomAD 0.01%). This variant has not been reported in the literature in individuals affected with HMCN1-related conditions. ClinVar contains an entry for this variant (Variation ID: 1917081). An algorithm developed to predict the effect of missense changes on protein structure and function (PolyPhen-2) suggests that this variant is likely to be tolerated. In summary, the available evidence is currently insufficient to determine the role of this variant in disease. Therefore, it has been classified as a Variant of Uncertain Significance.

Genome-Nilou Lab
Classification: Uncertain significance for Age related macular degeneration 1. Last evaluated: 2023-04-11. Review status: criteria provided, single submitter. Criteria: ACMG Guidelines, 2015. Collection method: clinical testing. Allele origin: germline. Affected: no.

Ambry Genetics
Classification: Uncertain significance. Last evaluated: 2023-01-26. Review status: criteria provided, single submitter. Criteria: Ambry Variant Classification Scheme 2023. Collection method: clinical testing. Allele origin: germline.